The following is an entry in ClinVar:

ClinVar aggregate classification (germline): Uncertain significance (1 of 4 stars; one submission).

Conditions:
Ectodermal dysplasia and immunodeficiency 2. Identifiers: Orphanet 238468, Orphanet 98813, MedGen C2677481, MONDO:0012806, OMIM 612132.

Submission:

Labcorp Genetics (formerly Invitae), Labcorp
Classification: Uncertain significance for Ectodermal dysplasia and immunodeficiency 2. Last evaluated: 2025-08-18. Review status: criteria provided, single submitter. Criteria: Invitae Variant Classification Sherloc (09022015). Collection method: clinical testing. Allele origin: germline.
Comment: This variant, c.19_42del, results in the deletion of 8 amino acid(s) of the NFKBIA protein (p.Arg7_Glu14del), but otherwise preserves the integrity of the reading frame. This variant is not present in population databases (gnomAD no frequency). This variant has not been reported in the literature in individuals affected with NFKBIA-related conditions. Experimental studies and prediction algorithms are not available or were not evaluated, and the functional significance of this variant is currently unknown. In summary, the available evidence is currently insufficient to determine the role of this variant in disease. Therefore, it has been classified as a Variant of Uncertain Significance.

NM_020529.3(NFKBIA):c.19_42del (p.Arg7_Glu14del)

Genes: NFKBIA (NFKB inhibitor alpha; minus strand), LOC130055497 (ATAC-STARR-seq lymphoblastoid silent region 5676; plus strand). Cytogenetic location: 14q13.2.
Variant type: Deletion.
Coding change: c.19_42del on transcript NM_020529.3 (MANE Select); coding-DNA positions 19 to 42, 24 bases deleted (CGCCCCCAGGAGTGGGCCATGGAG).
Protein change: p.Arg7_Glu14del.
Molecular consequence: inframe deletion.
Genome position (GRCh38, 1-based): chr14:35,404,603-35,404,626, CTCCATGGCCCACTCCTGGGGGCG deleted on the plus strand (CGCCCCCAGGAGTGGGCCATGGAG on the coding strand, the reverse complement: NFKBIA is on the minus strand); deleting any 24 consecutive bases within chr14:35,404,603-35,404,629 gives the same sequence; the c. name uses the placement nearest the transcript's 3' end. VCF-style (leftmost placement, unchanged base first): chr14-35404602-CCTCCATGGCCCACTCCTGGGGGCG-C. GRCh37 (hg19) VCF-style: chr14-35873808-CCTCCATGGCCCACTCCTGGGGGCG-C.
Identifiers: ClinVar variation 4725650 (VCV004725650.1).
Genomic context (GRCh38, chr14:35,404,602, plus strand): 5'-CCAGGCCGCTGTCGTGGCGGTCGTCCAGTAGCCGCTCCTTCTTCAGCCCGTCGCGGGGGC[CCTCCATGGCCCACTCCTGGGGGCG>C]CTCGGCCGCCTGGAACATGGCGCGGACGAGCTGCGGGCGCTGCTGCGGGTGCGCTGGGCC-3'